The following is an entry in ClinVar:

NM_000632.4(ITGAM):c.3044G>A (p.Arg1015Gln)

Gene: ITGAM (integrin subunit alpha M; plus strand). Cytogenetic location: 16p11.2.
Variant type: single nucleotide variant.
Coding change: c.3044G>A on transcript NM_000632.4 (MANE Select); coding-DNA position 3044, G replaced by A.
Protein change: p.Arg1015Gln; replaces arginine 1015 with glutamine.
Molecular consequence: missense variant.
Genome position (GRCh38, 1-based): chr16:31,330,148, G>A. VCF-style: chr16-31330148-G-A. GRCh37 (hg19) VCF-style: chr16-31341469-G-A.
Other names: c.3047G>A, p.Arg1016Gln (NM_001145808.2); short protein forms R1016Q, R1015Q.
Identifiers: ClinVar variation 3671989 (VCV003671989.2).

ClinVar aggregate classification (germline): Uncertain significance (1 of 4 stars; one submission).

gnomAD v4.1: 4 of 1,613,372 alleles (0.00025%); highest among the groups gnomAD compares: Non-Finnish European, 0.00025%; no homozygotes.

Submission:

Labcorp Genetics (formerly Invitae), Labcorp
Classification: Uncertain significance. Last evaluated: 2024-02-23. Review status: criteria provided, single submitter. Criteria: Invitae Variant Classification Sherloc (09022015). Collection method: clinical testing. Allele origin: germline.
Comment: This sequence change replaces arginine, which is basic and polar, with glutamine, which is neutral and polar, at codon 1015 of the ITGAM protein (p.Arg1015Gln). The frequency data for this variant in the population databases is considered unreliable, as metrics indicate poor data quality at this position in the gnomAD database. This variant has not been reported in the literature in individuals affected with ITGAM-related conditions. Algorithms developed to predict the effect of missense changes on protein structure and function output the following: SIFT: "Not Available"; PolyPhen-2: "Benign"; Align-GVGD: "Not Available". The glutamine amino acid residue is found in multiple mammalian species, which suggests that this missense change does not adversely affect protein function. In summary, the available evidence is currently insufficient to determine the role of this variant in disease. Therefore, it has been classified as a Variant of Uncertain Significance.